The following is an entry in ClinVar:

NM_198578.4(LRRK2):c.2144G>T (p.Arg715Ile)

Gene: LRRK2 (leucine rich repeat kinase 2; plus strand). Cytogenetic location: 12q12.
Variant type: single nucleotide variant.
Coding change: c.2144G>T on transcript NM_198578.4 (MANE Select); coding-DNA position 2144, G replaced by T.
Protein change: p.Arg715Ile; replaces arginine 715 with isoleucine.
Molecular consequence: missense variant.
Genome position (GRCh38, 1-based): chr12:40,278,164, G>T. VCF-style: chr12-40278164-G-T. GRCh37 (hg19) VCF-style: chr12-40671966-G-T.
Other names: short protein forms R715I.
Identifiers: ClinVar variation 2275987 (VCV002275987.3), dbSNP rs1049838572, ClinGen allele CA235331646.

ClinVar aggregate classification (germline): Uncertain significance (1 of 4 stars; one submission).

Conditions:
Inborn genetic diseases. Identifiers: MedGen C0950123, MeSH D030342.

Allele frequency attached by ClinVar (database versions not stated): gnomAD 0.00001; TOPMed 0.00001.
gnomAD v4.1: 1 of 1,613,982 alleles (0.000062%); highest among the groups gnomAD compares: Non-Finnish European, 0.000085%; no homozygotes.

Submission:

Ambry Genetics
Classification: Uncertain significance for Inborn genetic diseases. Last evaluated: 2024-03-20. Review status: criteria provided, single submitter. Criteria: Ambry Variant Classification Scheme 2023. Collection method: clinical testing. Allele origin: germline.
Comment: The p.R715I variant (also known as c.2144G>T), located in coding exon 18 of the LRRK2 gene, results from a G to T substitution at nucleotide position 2144. The arginine at codon 715 is replaced by isoleucine, an amino acid with similar properties. This amino acid position is conserved. In addition, the in silico prediction for this alteration is inconclusive. Based on the available evidence, the clinical significance of this alteration remains unclear.